The following is an entry in ClinVar:

NM_000350.3(ABCA4):c.6334G>C (p.Val2112Leu)

Gene: ABCA4 (ATP binding cassette subfamily A member 4; minus strand). Cytogenetic location: 1p22.1.
Variant type: single nucleotide variant.
Coding change: c.6334G>C on transcript NM_000350.3 (MANE Select); coding-DNA position 6334, G replaced by C.
Protein change: p.Val2112Leu; replaces valine 2112 with leucine.
Molecular consequence: missense variant.
Genome position (GRCh38, 1-based): chr1:94,001,054, C>G on the plus strand (G>C on the coding strand, the complement: ABCA4 is on the minus strand). VCF-style: chr1-94001054-C-G. GRCh37 (hg19) VCF-style: chr1-94466610-C-G.
Other names: c.6112G>C, p.Val2038Leu (NM_001425324.1); short protein forms V2112L, V2038L.
Identifiers: ClinVar variation 967078 (VCV000967078.10), dbSNP rs571031879, ClinGen allele CA956903.
Genomic context (GRCh38, chr1:94,001,054, plus strand): 5'-TCTCTTGCCTGTGGGATGTGAGGACCACAGCCCTCCCTTCTCTGATGATGCTCACGATGA[C>G]GTTCCACAGCATGCGGCGTGCCTGGGGGTCCATCCCTGTGGTGGGCTCATCCTGGGGGGT-3'
Protein context (NP_000341.2, residues 2102-2122): DPQARRMLWN[Val2112Leu]IVSIIREGRA

ClinVar aggregate classification (germline): Uncertain significance. Review status: criteria provided, multiple submitters, no conflicts (2 of 4 stars). 3 submissions from 3 submitters: Uncertain significance (3). Last evaluated 2025-04-16.

Conditions:
Inborn genetic diseases. Identifiers: MedGen C0950123, MeSH D030342.

Allele frequency attached by ClinVar (database versions not stated): 1000 Genomes Project 30x 0.00016; 1000 Genomes Project 0.00020.
gnomAD v4.1: 30 of 1,614,130 alleles (0.0019%); highest among the groups gnomAD compares: Admixed American, 0.0067%; no homozygotes.

Submissions (3):

Labcorp Genetics (formerly Invitae), Labcorp
Classification: Uncertain significance. Last evaluated: 2025-04-16. Review status: criteria provided, single submitter. Criteria: Invitae Variant Classification Sherloc (09022015). Collection method: clinical testing. Allele origin: germline.
Comment: This sequence change replaces valine, which is neutral and non-polar, with leucine, which is neutral and non-polar, at codon 2112 of the ABCA4 protein (p.Val2112Leu). This variant is present in population databases (rs571031879, gnomAD 0.003%). This variant has not been reported in the literature in individuals affected with ABCA4-related conditions. ClinVar contains an entry for this variant (Variation ID: 967078). Invitae Evidence Modeling of protein sequence and biophysical properties (such as structural, functional, and spatial information, amino acid conservation, physicochemical variation, residue mobility, and thermodynamic stability) indicates that this missense variant is not expected to disrupt ABCA4 protein function with a negative predictive value of 95%. In summary, the available evidence is currently insufficient to determine the role of this variant in disease. Therefore, it has been classified as a Variant of Uncertain Significance.

Ambry Genetics
Classification: Uncertain significance for Inborn genetic diseases. Last evaluated: 2024-09-02. Review status: criteria provided, single submitter. Criteria: Ambry Variant Classification Scheme 2023. Collection method: clinical testing. Allele origin: germline.

Blueprint Genetics
Classification: Uncertain significance. Last evaluated: 2020-03-12. Review status: criteria provided, single submitter. Criteria: ACMG Guidelines, 2015. Collection method: clinical testing. Allele origin: germline.